The following is an entry in ClinVar:

ClinVar aggregate classification (germline): Pathogenic (1 of 4 stars; one submission).

Submission:

GeneDx
Classification: Pathogenic. Last evaluated: 2024-07-03. Review status: criteria provided, single submitter. Criteria: GeneDx Variant Classification Process June 2021. Collection method: clinical testing. Allele origin: germline. Affected: yes.
Comment: Frameshift variant predicted to result in protein truncation or nonsense mediated decay in a gene or region of a gene for which loss of function is not a well-established mechanism of disease; Not observed at significant frequency in large population cohorts (gnomAD); Has not been previously published as pathogenic or benign to our knowledge

NM_003718.5(CDK13):c.527del (p.Gly176fs)

Gene: CDK13 (cyclin dependent kinase 13; plus strand). Cytogenetic location: 7p14.1.
Variant type: Deletion.
Coding change: c.527del on transcript NM_003718.5 (MANE Select); coding-DNA position 527, one base deleted (G; older notation c.527delG).
Protein change: p.Gly176fs; shifts the reading frame from glycine 176.
Molecular consequence: frameshift variant.
Genome position (GRCh38, 1-based): chr7:39,951,168, G deleted; the last of 6 consecutive G bases (chr7:39,951,163-39,951,168); deleting any one gives the same sequence. VCF-style (leftmost placement, unchanged base first): chr7-39951162-CG-C. GRCh37 (hg19) VCF-style: chr7-39990761-CG-C.
Other names: c.527delG, p.Gly176Alafs (NM_031267.4); short protein forms G176fs.
Identifiers: ClinVar variation 3393580 (VCV003393580.1).